The following is an entry in ClinVar:

ClinVar aggregate classification (germline): Pathogenic (1 of 4 stars; one submission).

Submission:

ISCA site 4
Classification: Pathogenic. Last evaluated: 2011-08-12. Review status: criteria provided, single submitter. Criteria: Kaminsky et al. (Genet Med. 2011). Collection method: clinical testing. Allele origin: unknown. Affected: yes. Observed: 1 variant allele.
Comment: Copy number variation identified through the course of routine clinical cytogenomic testing in postnatal populations. Clinical assertions have been curated as described in Kaminsky et al. 2011.

GRCh38/hg38 Xp22.31(chrX:6570680-7776150)x0

Genes: MIR4767 (microRNA 4767; plus strand), PUDP (pseudouridine 5'-phosphatase; minus strand), STS (steroid sulfatase; plus strand), LOC113875037 (Sharpr-MPRA regulatory region 5189; plus strand), LOC126863197 (MED14-independent group 3 enhancer GRCh37_chrX:7290864-7292063; plus strand) and 11 more. Cytogenetic location: Xp22.31.
Variant type: copy number loss.
Change: copy number 0 of chrX:6,570,680-7,776,150 (1.21 Mb, GRCh38 coordinates, 1-based), cytogenetic band Xp22.31.
Identifiers: ClinVar variation 57244 (VCV000057244.1).